The following is an entry in ClinVar:

NM_014921.5(ADGRL1):c.1046G>A (p.Arg349His)

Genes: ADGRL1 (adhesion G protein-coupled receptor L1; minus strand), ADGRL1-AS1 (ADGRL1 antisense RNA 1; plus strand). Cytogenetic location: 19p13.12.
Variant type: single nucleotide variant.
Coding change: c.1046G>A on transcript NM_014921.5 (MANE Select); coding-DNA position 1046, G replaced by A.
Protein change: p.Arg349His; replaces arginine 349 with histidine.
Molecular consequence: missense variant.
Genome position (GRCh38, 1-based): chr19:14,162,755, C>T on the plus strand (G>A on the coding strand, the complement: ADGRL1 is on the minus strand). VCF-style: chr19-14162755-C-T. GRCh37 (hg19) VCF-style: chr19-14273567-C-T.
Other names: c.1061G>A, p.Arg354His (NM_001008701.3); short protein forms R349H, R354H.
Identifiers: ClinVar variation 4280877 (VCV004280877.7).
Genomic context (GRCh38, chr19:14,162,755, plus strand): 5'-TAGTCAACGGAGGAGATGAACTGGTAGGGGTTGGGGAAGGTGAGGCTGACAGGCTCCTCG[C>T]GGTTGGCATTGGTGTTGAAGGCATAGTCCACGCGGTTGCCAGCCGCCTCGCTGTCATCAT-3'
Protein context (NP_055736.2, residues 339-359): VDYAFNTNAN[Arg349His]EEPVSLTFPN

ClinVar aggregate classification (germline): Likely benign (1 of 4 stars; one submission).

gnomAD v4.1: 2,209 of 1,614,172 alleles (0.14%); highest among the groups gnomAD compares: Non-Finnish European, 0.17%; 2 homozygotes.

Submission:

CeGaT Center for Human Genetics Tuebingen
Classification: Likely benign. Last evaluated: 2026-03-01. Review status: criteria provided, single submitter. Criteria: CeGaT Center For Human Genetics Tuebingen Variant Classification Criteria Version 2. Collection method: clinical testing. Allele origin: germline. Affected: yes. Observed: 2 variant alleles.
Comment: ADGRL1: BS1